The following is an entry in ClinVar:

NM_021098.3(CACNA1H):c.1997A>C (p.Glu666Ala)

Gene: CACNA1H (calcium voltage-gated channel subunit alpha1 H; plus strand). Cytogenetic location: 16p13.3.
Variant type: single nucleotide variant.
Coding change: c.1997A>C on transcript NM_021098.3 (MANE Select); coding-DNA position 1997, A replaced by C.
Protein change: p.Glu666Ala; replaces glutamic acid 666 with alanine.
Molecular consequence: missense variant.
Genome position (GRCh38, 1-based): chr16:1,202,447, A>C. VCF-style: chr16-1202447-A-C. GRCh37 (hg19) VCF-style: chr16-1252447-A-C.
Other names: c.1997A>C, p.Glu666Ala (NM_001005407.2); short protein forms E666A.
Identifiers: ClinVar variation 2925803 (VCV002925803.3), dbSNP rs926633519, ClinGen allele CA276652278.

ClinVar aggregate classification (germline): Uncertain significance (1 of 4 stars; one submission).

Conditions:
Idiopathic generalized epilepsy. Also called: Generalised epilepsy; EIG. Identifiers: MedGen C0270850, MONDO:0005579, OMIM 600669.
Hyperaldosteronism, familial, type IV (HALD4). Also called: FH IV; ALDOSTERONISM, PRIMARY, AND HYPERTENSION. Identifiers: Orphanet 642671, MedGen C4310756, MONDO:0014875, OMIM 617027.

Allele frequency attached by ClinVar (database versions not stated): TOPMed 0.00003; gnomAD 0.00001.
gnomAD v4.1: 20 of 1,489,476 alleles (0.0013%); highest among the groups gnomAD compares: Non-Finnish European, 0.0016%; no homozygotes.

Submission:

Labcorp Genetics (formerly Invitae), Labcorp
Classification: Uncertain significance for Idiopathic generalized epilepsy; Hyperaldosteronism, familial, type IV. Last evaluated: 2025-07-27. Review status: criteria provided, single submitter. Criteria: Invitae Variant Classification Sherloc (09022015). Collection method: clinical testing. Allele origin: germline.
Comment: This sequence change replaces glutamic acid, which is acidic and polar, with alanine, which is neutral and non-polar, at codon 666 of the CACNA1H protein (p.Glu666Ala). This variant is not present in population databases (gnomAD no frequency). This variant has not been reported in the literature in individuals affected with CACNA1H-related conditions. ClinVar contains an entry for this variant (Variation ID: 2925803). Invitae Evidence Modeling of protein sequence and biophysical properties (such as structural, functional, and spatial information, amino acid conservation, physicochemical variation, residue mobility, and thermodynamic stability) indicates that this missense variant is not expected to disrupt CACNA1H protein function with a negative predictive value of 80%. In summary, the available evidence is currently insufficient to determine the role of this variant in disease. Therefore, it has been classified as a Variant of Uncertain Significance.